The following is an entry in ClinVar:

NM_003403.5(YY1):c.488G>C (p.Gly163Ala)

Gene: YY1 (YY1 transcription factor; plus strand). Cytogenetic location: 14q32.2.
Variant type: single nucleotide variant.
Coding change: c.488G>C on transcript NM_003403.5 (MANE Select); coding-DNA position 488, G replaced by C.
Protein change: p.Gly163Ala; replaces glycine 163 with alanine.
Molecular consequence: missense variant.
Genome position (GRCh38, 1-based): chr14:100,239,732, G>C. VCF-style: chr14-100239732-G-C. GRCh37 (hg19) VCF-style: chr14-100706069-G-C.
Other names: short protein forms G163A.
Identifiers: ClinVar variation 3368695 (VCV003368695.2).

ClinVar aggregate classification (germline): Uncertain significance (1 of 4 stars; one submission).

Submission:

GeneDx
Classification: Uncertain significance. Last evaluated: 2026-07-14. Review status: criteria provided, single submitter. Criteria: GeneDx Variant Classification Process June 2021. Collection method: clinical testing. Allele origin: germline.
Comment: Not observed at significant frequency in large population cohorts (gnomAD); In silico analysis suggests that this missense variant does not alter protein structure/function; Has not been previously published as pathogenic or benign to our knowledge